The following is an entry in ClinVar:

NM_000059.4(BRCA2):c.2471_2476del (p.Leu824_Glu826delinsTer)

Gene: BRCA2 (BRCA2 DNA repair associated; plus strand). Cytogenetic location: 13q13.1.
Variant type: Deletion.
Coding change: c.2471_2476del on transcript NM_000059.4 (MANE Select); coding-DNA positions 2471 to 2476, 6 bases deleted (TAAATG; older notation c.2471_2476delTAAATG).
Protein change: p.Leu824_Glu826delinsTer.
Molecular consequence: nonsense.
Genome position (GRCh38, 1-based): chr13:32,336,826-32,336,831, TAAATG deleted. VCF-style (leftmost placement, unchanged base first): chr13-32336825-TTAAATG-T. GRCh37 (hg19) VCF-style: chr13-32910962-TTAAATG-T.
Other names: 2699del6; c.2471_2476delTAAATG (NM_000059.3).
Identifiers: ClinVar variation 51295 (VCV000051295.14), dbSNP rs276174823, ClinGen allele CA015387.

ClinVar aggregate classification (germline): Pathogenic. Review status: reviewed by expert panel (3 of 4 stars). 4 submissions from 4 submitters: Pathogenic (1). 3 of the submissions do not count toward it. Last evaluated 2016-09-08.

Conditions:
Hereditary breast ovarian cancer syndrome. Also called: Hereditary breast and ovarian cancer syndrome; Hereditary breast and ovarian cancer; Hereditary breast and ovarian cancer syndrome (HBOC); Breast and ovarian cancer; Hereditary breast and/or ovarian cancer syndrome; BRCA1- and BRCA2-Associated Hereditary Breast and Ovarian Cancer. Identifiers: Orphanet 145, MedGen C0677776, MeSH D061325, MONDO:0003582. Disease mechanism: loss of function.
Breast-ovarian cancer, familial, susceptibility to, 2 (BROVCA2). Also called: BRCA2 Hereditary Breast and Ovarian Cancer. Identifiers: Orphanet 145, MedGen C2675520, MONDO:0012933, OMIM 612555. Disease mechanism: loss of function.

Submissions (4):

Evidence-based Network for the Interpretation of Germline Mutant Alleles (ENIGMA)
Classification: Pathogenic for Breast-ovarian cancer, familial, susceptibility to, 2. Last evaluated: 2016-09-08. Review status: reviewed by expert panel. Criteria: ENIGMA BRCA1/2 Classification Criteria (2015). Collection method: curation. Allele origin: germline.
Comment: Variant allele predicted to encode a truncated non-functional protein.

Labcorp Genetics (formerly Invitae), Labcorp
Classification: Pathogenic for Hereditary breast ovarian cancer syndrome. Last evaluated: 2022-10-10. Review status: criteria provided, single submitter. Criteria: Invitae Variant Classification Sherloc (09022015). Collection method: clinical testing. Allele origin: germline. Not counted in ClinVar's aggregate classification.
Comment: This variant is not present in population databases (gnomAD no frequency). For these reasons, this variant has been classified as Pathogenic. ClinVar contains an entry for this variant (Variation ID: 51295). This premature translational stop signal has been observed in individual(s) with breast cancer (PMID: 15858120, 28993434, 30875412). This sequence change creates a premature translational stop signal (p.Leu824*) in the BRCA2 gene. It is expected to result in an absent or disrupted protein product. Loss-of-function variants in BRCA2 are known to be pathogenic (PMID: 20104584).

Consortium of Investigators of Modifiers of BRCA1/2 (CIMBA), c/o University of Cambridge
Classification: Pathogenic for Breast-ovarian cancer, familial, susceptibility to, 2. Last evaluated: 2015-10-02. Review status: criteria provided, single submitter. Criteria: CIMBA Mutation Classification guidelines May 2016. Collection method: clinical testing. Allele origin: germline. Not counted in ClinVar's aggregate classification.

Breast Cancer Information Core (BIC) (BRCA2)
Classification: Pathogenic for Breast-ovarian cancer, familial 2. Last evaluated: 2005-12-05. Review status: no assertion criteria provided. Collection method: clinical testing. Allele origin: germline. Affected: yes. Observed: 1 variant allele. Not counted in ClinVar's aggregate classification.

Literature cited by the submitters: PubMed 15858120 (cited by Labcorp Genetics (formerly Invitae), Labcorp and Breast Cancer Information Core (BIC) (BRCA2)); PubMed 28993434 (cited by Labcorp Genetics (formerly Invitae), Labcorp); PubMed 30875412 (cited by Labcorp Genetics (formerly Invitae), Labcorp); PubMed 20104584 (cited by Labcorp Genetics (formerly Invitae), Labcorp).